The following is an entry in ClinVar:

ClinVar aggregate classification (germline): Benign/Likely benign. Review status: criteria provided, multiple submitters, no conflicts (2 of 4 stars). 8 submissions from 8 submitters: Benign (4); Likely benign (4). Last evaluated 2026-06-24.

Conditions:
Retinoblastoma (RB1). Also called: RETINOBLASTOMA, SOMATIC. Identifiers: Orphanet 790, MedGen C0035335, MeSH D012175, MONDO:0008380, OMIM 180200, HP:0009919. Disease mechanism: loss of function. Inheritance: Both sporadic and heritable forms are tested..
Hereditary cancer-predisposing syndrome. Also called: Hereditary neoplastic syndrome; Neoplastic Syndromes, Hereditary; Hereditary Cancer Syndrome; Tumor predisposition. Identifiers: Orphanet 140162, MedGen C0027672, MeSH D009386, MONDO:0015356.

Allele frequency attached by ClinVar (database versions not stated): ExAC 0.00010; gnomAD exomes 0.00006; 1000 Genomes Project 0.00040; gnomAD 0.00003; 1000 Genomes Project 30x 0.00031.
gnomAD v4.1: 88 of 1,613,316 alleles (0.0055%); highest among the groups gnomAD compares: South Asian, 0.092%; 1 homozygote.

Submissions (8):

Myriad Genetics, Inc.
Classification: Benign for Retinoblastoma. Last evaluated: 2026-06-24. Review status: criteria provided, single submitter. Criteria: Myriad Autosomal Dominant, Autosomal Recessive and X-Linked Classification Criteria (2023). Collection method: clinical testing. Allele origin: unknown.
Comment: This variant is considered benign. This variant is a silent/synonymous amino acid change and it is not expected to impact splicing.

Women's Health and Genetics/Laboratory Corporation of America, LabCorp
Classification: Benign. Last evaluated: 2026-03-26. Review status: criteria provided, single submitter. Criteria: LabCorp Variant Classification Summary - May 2015. Collection method: clinical testing. Allele origin: germline.

Labcorp Genetics (formerly Invitae), Labcorp
Classification: Likely benign for Retinoblastoma. Last evaluated: 2025-11-24. Review status: criteria provided, single submitter. Criteria: Invitae Variant Classification Sherloc (09022015). Collection method: clinical testing. Allele origin: germline.

All of Us Research Program, National Institutes of Health
Classification: Benign for Retinoblastoma. Last evaluated: 2023-08-23. Review status: criteria provided, single submitter. Criteria: ACMG Guidelines, 2015. Collection method: clinical testing. Allele origin: germline. Inheritance: Autosomal dominant inheritance. Observed: 3 variant alleles, 3 heterozygotes.
Comment: This study involves interpretation of variants in research participants for the purpose of population health screening. Participant phenotype was not available at the time of variant classification. Additional details can be found in publication PMID: 35346344, PMCID: PMC8962531

Color Diagnostics, LLC DBA Color Health
Classification: Benign for Retinoblastoma. Last evaluated: 2022-04-29. Review status: criteria provided, single submitter. Criteria: ACMG Guidelines, 2015. Collection method: clinical testing. Allele origin: germline.

Ambry Genetics
Classification: Likely benign for Hereditary cancer-predisposing syndrome. Last evaluated: 2021-03-01. Review status: criteria provided, single submitter. Criteria: Ambry Variant Classification Scheme 2023. Collection method: clinical testing. Allele origin: germline.

Illumina Laboratory Services, Illumina
Classification: Likely benign for Retinoblastoma. Last evaluated: 2018-01-12. Review status: criteria provided, single submitter. Criteria: ICSL Variant Classification Criteria 13 December 2019. Collection method: clinical testing. Allele origin: germline.
Comment: This variant was observed in the ICSL laboratory as part of a predisposition screen in an ostensibly healthy population. It had not been previously curated by ICSL or reported in the Human Gene Mutation Database (HGMD: prior to June 1st, 2018), and was therefore a candidate for classification through an automated scoring system. Utilizing variant allele frequency, disease prevalence and penetrance estimates, and inheritance mode, an automated score was calculated to assess if this variant is too frequent to cause the disease. Based on the score and internal cut-off values, a variant classified as likely benign is not then subjected to further curation. The score for this variant resulted in a classification of likely benign for this disease.

GeneDx
Classification: Likely benign. Last evaluated: 2017-10-17. Review status: criteria provided, single submitter. Criteria: GeneDx Variant Classification (06012015). Collection method: clinical testing. Allele origin: germline. Affected: yes.
Comment: This variant is considered likely benign or benign based on one or more of the following criteria: it is a conservative change, it occurs at a poorly conserved position in the protein, it is predicted to be benign by multiple in silico algorithms, and/or has population frequency not consistent with disease.

NM_000321.3(RB1):c.1764T>A (p.Ser588=)

Gene: RB1 (RB transcriptional corepressor 1; plus strand). Cytogenetic location: 13q14.2.
Variant type: single nucleotide variant.
Coding change: c.1764T>A on transcript NM_000321.3 (MANE Select); coding-DNA position 1764, T replaced by A.
Protein change: p.Ser588=; no amino-acid change (serine 588 retained).
Molecular consequence: synonymous variant.
Genome position (GRCh38, 1-based): chr13:48,453,061, T>A. VCF-style: chr13-48453061-T-A. GRCh37 (hg19) VCF-style: chr13-49027197-T-A.
Identifiers: ClinVar variation 512737 (VCV000512737.20), dbSNP rs542783532, ClinGen allele CA032498.